The following is an entry in ClinVar:

ClinVar aggregate classification (germline): Uncertain significance. Review status: criteria provided, multiple submitters, no conflicts (2 of 4 stars). 2 submissions from 2 submitters: Uncertain significance (2). Last evaluated 2026-04-26.

gnomAD v4.1: 1 of 1,478,106 alleles (0.000068%); highest among the groups gnomAD compares: Admixed American, 0.0023%; no homozygotes.

Submissions (2):

GeneDx
Classification: Uncertain significance. Last evaluated: 2026-04-26. Review status: criteria provided, single submitter. Criteria: GeneDx Variant Classification Process June 2021. Collection method: clinical testing. Allele origin: germline.
Comment: Not observed at significant frequency in large population cohorts (gnomAD); In silico analysis suggests that this missense variant does not alter protein structure/function; Has not been previously published as pathogenic or benign to our knowledge

Labcorp Genetics (formerly Invitae), Labcorp
Classification: Uncertain significance. Last evaluated: 2024-11-02. Review status: criteria provided, single submitter. Criteria: Invitae Variant Classification Sherloc (09022015). Collection method: clinical testing. Allele origin: germline.
Comment: This sequence change replaces glycine, which is neutral and non-polar, with aspartic acid, which is acidic and polar, at codon 223 of the ALPK3 protein (p.Gly223Asp). This variant is present in population databases (no rsID available, gnomAD 0.006%). This variant has not been reported in the literature in individuals affected with ALPK3-related conditions. An algorithm developed to predict the effect of missense changes on protein structure and function (PolyPhen-2) suggests that this variant is likely to be disruptive. In summary, the available evidence is currently insufficient to determine the role of this variant in disease. Therefore, it has been classified as a Variant of Uncertain Significance.

NM_020778.5(ALPK3):c.62G>A (p.Gly21Asp)

Gene: ALPK3 (alpha kinase 3; plus strand). Cytogenetic location: 15q25.3.
Variant type: single nucleotide variant.
Coding change: c.62G>A on transcript NM_020778.5 (MANE Select); coding-DNA position 62, G replaced by A.
Protein change: p.Gly21Asp; replaces glycine 21 with aspartic acid.
Molecular consequence: missense variant.
Genome position (GRCh38, 1-based): chr15:84,817,514, G>A. VCF-style: chr15-84817514-G-A. GRCh37 (hg19) VCF-style: chr15-85360745-G-A.
Other names: short protein forms G21D.
Identifiers: ClinVar variation 3691277 (VCV003691277.3).